The following is an entry in ClinVar:

ClinVar aggregate classification (germline): Uncertain significance (1 of 4 stars; one submission).

gnomAD v4.1: 4 of 1,613,894 alleles (0.00025%); highest among the groups gnomAD compares: Admixed American, 0.0017%; no homozygotes.

Submission:

Labcorp Genetics (formerly Invitae), Labcorp
Classification: Uncertain significance. Last evaluated: 2024-09-18. Review status: criteria provided, single submitter. Criteria: Invitae Variant Classification Sherloc (09022015). Collection method: clinical testing. Allele origin: germline.
Comment: This sequence change replaces alanine, which is neutral and non-polar, with valine, which is neutral and non-polar, at codon 638 of the SULF1 protein (p.Ala638Val). This variant is not present in population databases (gnomAD no frequency). This variant has not been reported in the literature in individuals affected with SULF1-related conditions. An algorithm developed to predict the effect of missense changes on protein structure and function (PolyPhen-2) suggests that this variant is likely to be disruptive. In summary, the available evidence is currently insufficient to determine the role of this variant in disease. Therefore, it has been classified as a Variant of Uncertain Significance.

NM_001128205.2(SULF1):c.1913C>T (p.Ala638Val)

Gene: SULF1 (sulfatase 1; plus strand). Cytogenetic location: 8q13.3.
Variant type: single nucleotide variant.
Coding change: c.1913C>T on transcript NM_001128205.2 (MANE Select); coding-DNA position 1913, C replaced by T.
Protein change: p.Ala638Val; replaces alanine 638 with valine.
Molecular consequence: missense variant. On other transcripts: non-coding transcript variant (7).
Genome position (GRCh38, 1-based): chr8:69,627,272, C>T. VCF-style: chr8-69627272-C-T. GRCh37 (hg19) VCF-style: chr8-70539507-C-T.
Other names: c.1913C>T, p.Ala638Val (NM_001128204.2, NM_001128206.2, NM_001412828.1 and 9 more transcripts); c.1784C>T, p.Ala595Val (NM_001412832.1, NM_001412838.1, NM_001412839.1 and 1 more transcripts); c.1856C>T, p.Ala619Val (NM_001412836.1, NM_001412837.1); c.1727C>T, p.Ala576Val (NM_001412841.1, NM_001412842.1); c.1313C>T, p.Ala438Val (NM_001412844.1, NM_001412845.1); c.122C>T, p.Ala41Val (NM_001412846.1); short protein forms A41V, A438V, A576V, A595V, A619V, A638V.
Identifiers: ClinVar variation 3615701 (VCV003615701.2).